The following is an entry in ClinVar:

ClinVar aggregate classification (germline): Uncertain significance (1 of 4 stars; one submission).

Conditions:
3-methylglutaconic aciduria, type VIIB (MGCA7B). Also called: CLPB Deficiency; 3-methylglutaconic aciduria with cataracts, neurologic involvement and neutropenia; 3-methylglutaconic aciduria, type VII, with cataracts, neurologic involvement and neutropenia. Identifiers: Orphanet 445038, MedGen C5676893, MONDO:0014561, OMIM 616271.

Allele frequency attached by ClinVar (database versions not stated): gnomAD exomes below 0.00001.
gnomAD v4.1: 1 of 1,613,906 alleles (0.000062%); highest among the groups gnomAD compares: Non-Finnish European, 0.000085%; no homozygotes.

Submission:

Labcorp Genetics (formerly Invitae), Labcorp
Classification: Uncertain significance for 3-methylglutaconic aciduria, type VIIB. Last evaluated: 2024-10-30. Review status: criteria provided, single submitter. Criteria: Invitae Variant Classification Sherloc (09022015). Collection method: clinical testing. Allele origin: germline.
Comment: This sequence change replaces leucine, which is neutral and non-polar, with phenylalanine, which is neutral and non-polar, at codon 314 of the CLPB protein (p.Leu314Phe). This variant is not present in population databases (gnomAD no frequency). This variant has not been reported in the literature in individuals affected with CLPB-related conditions. ClinVar contains an entry for this variant (Variation ID: 2798332). An algorithm developed to predict the effect of missense changes on protein structure and function (PolyPhen-2) suggests that this variant is likely to be tolerated. In summary, the available evidence is currently insufficient to determine the role of this variant in disease. Therefore, it has been classified as a Variant of Uncertain Significance.

NM_001258392.3(CLPB):c.850C>T (p.Leu284Phe)

Gene: CLPB (ClpB family mitochondrial disaggregase; minus strand). Cytogenetic location: 11q13.4.
Variant type: single nucleotide variant.
Coding change: c.850C>T on transcript NM_001258392.3 (MANE Select); coding-DNA position 850, C replaced by T.
Protein change: p.Leu284Phe; replaces leucine 284 with phenylalanine.
Molecular consequence: missense variant.
Genome position (GRCh38, 1-based): chr11:72,329,730, G>A on the plus strand (C>T on the coding strand, the complement: CLPB is on the minus strand). VCF-style: chr11-72329730-G-A. GRCh37 (hg19) VCF-style: chr11-72040774-G-A.
Other names: c.763C>T, p.Leu255Phe (NM_001258393.3); c.805C>T, p.Leu269Phe (NM_001258394.3); c.940C>T, p.Leu314Phe (NM_030813.6); short protein forms L314F, L255F, L269F, L284F.
Identifiers: ClinVar variation 2798332 (VCV002798332.3), dbSNP rs2539438048, ClinGen allele CA381741681.